The following is an entry in ClinVar:

NM_006432.5(NPC2):c.295T>C (p.Cys99Arg)

Gene: NPC2 (NPC intracellular cholesterol transporter 2; minus strand). Cytogenetic location: 14q24.3.
Variant type: single nucleotide variant.
Coding change: c.295T>C on transcript NM_006432.5 (MANE Select); coding-DNA position 295, T replaced by C.
Protein change: p.Cys99Arg; replaces cysteine 99 with arginine.
Molecular consequence: missense variant.
Genome position (GRCh38, 1-based): chr14:74,484,483, A>G on the plus strand (T>C on the coding strand, the complement: NPC2 is on the minus strand). VCF-style: chr14-74484483-A-G. GRCh37 (hg19) VCF-style: chr14-74951186-A-G.
Other names: c.295T>C, p.Cys99Arg (NM_001363688.1, NM_001375440.1); short protein forms C99R.
Identifiers: ClinVar variation 21458 (VCV000021458.11), dbSNP rs80358264, ClinGen allele CA342111.

ClinVar aggregate classification (germline): Pathogenic. Review status: criteria provided, multiple submitters, no conflicts (2 of 4 stars). 3 submissions from 3 submitters: Pathogenic (2). 1 of the submissions does not count toward it. Last evaluated 2023-10-30.

Conditions:
Niemann-Pick disease, type C (NPC). Identifiers: Orphanet 646, MedGen C0220756, MONDO:0018982.
Niemann-Pick disease, type C2 (NPC2). Identifiers: Orphanet 646, MedGen C1843366, MONDO:0011873, OMIM 607625.

Allele frequency attached by ClinVar (database versions not stated): gnomAD 0.00001; gnomAD exomes below 0.00001; TOPMed below 0.00001; ExAC 0.00001.

Submissions (3):

Women's Health and Genetics/Laboratory Corporation of America, LabCorp
Classification: Pathogenic for Niemann-Pick disease, type C. Last evaluated: 2023-10-30. Review status: criteria provided, single submitter. Criteria: LabCorp Variant Classification Summary - May 2015. Collection method: clinical testing. Allele origin: germline.
Comment: Variant summary: NPC2 c.295T>C (p.Cys99Arg) results in a non-conservative amino acid change to a highly conserved residue (HGMD) located in the MD-2-related lipid-recognition domain (IPR003172) of the encoded protein sequence. Five of five in-silico tools predict a damaging effect of the variant on protein function. The variant allele was found at a frequency of 4e-06 in 251486 control chromosomes (gnomAD). c.295T>C has been reported in the literature in individuals affected with Niemann-Pick Disease Type C (Chikh_2005, Heron_2012). These data indicate that the variant is likely to be associated with disease. At least one publication reports experimental evidence evaluating an impact on protein function, finding that the variant results in a misfolded protein that localizes to the endoplasmic reticulum and is unable to rescue cholesterol storage in NPC2-null cells (Chikh_2005). The following publications have been ascertained in the context of this evaluation (PMID: 15937921, 22676771). One submitter has cited a clinical-significance assessment for this variant to ClinVar after 2014 and has classified the variant as pathogenic. Based on the evidence outlined above, the variant was classified as pathogenic.

Labcorp Genetics (formerly Invitae), Labcorp
Classification: Pathogenic for Niemann-Pick disease, type C2. Last evaluated: 2023-10-03. Review status: criteria provided, single submitter. Criteria: Invitae Variant Classification Sherloc (09022015). Collection method: clinical testing. Allele origin: germline.
Comment: This sequence change replaces cysteine, which is neutral and slightly polar, with arginine, which is basic and polar, at codon 99 of the NPC2 protein (p.Cys99Arg). This variant is present in population databases (rs80358264, gnomAD 0.006%). This missense change has been observed in individual(s) with Niemann-Pick Type C (PMID: 15937921, 22676771). ClinVar contains an entry for this variant (Variation ID: 21458). An algorithm developed to predict the effect of missense changes on protein structure and function (PolyPhen-2) suggests that this variant is likely to be disruptive. Experimental studies have shown that this missense change affects NPC2 function (PMID: 15937921). For these reasons, this variant has been classified as Pathogenic.

GeneReviews
No classification provided. Condition: Niemann-Pick disease, type C2. Review status: no classification provided. Collection method: literature only. Allele origin: unknown. Not counted in ClinVar's aggregate classification.

Literature cited by the submitters: PubMed 22676771 (cited by Women's Health and Genetics/Laboratory Corporation of America, LabCorp and Labcorp Genetics (formerly Invitae), Labcorp); PubMed 15937921 (cited by 3 submitters); PubMed 20301473 (cited by GeneReviews); NCBI Bookshelf NBK1296 (cited by GeneReviews).